The following is an entry in ClinVar:

NM_007294.4(BRCA1):c.2779G>A (p.Ala927Thr)

Gene: BRCA1 (BRCA1 DNA repair associated; minus strand). Cytogenetic location: 17q21.31.
Variant type: single nucleotide variant.
Coding change: c.2779G>A on transcript NM_007294.4 (MANE Select); coding-DNA position 2779, G replaced by A.
Protein change: p.Ala927Thr; replaces alanine 927 with threonine.
Molecular consequence: missense variant. On other transcripts: intron variant (137).
Genome position (GRCh38, 1-based): chr17:43,092,752, C>T on the plus strand (G>A on the coding strand, the complement: BRCA1 is on the minus strand). VCF-style: chr17-43092752-C-T. GRCh37 (hg19) VCF-style: chr17-41244769-C-T.
Other names: c.2635G>A, p.Ala879Thr (NM_001407841.1, NM_001407842.1, NM_001407843.1 and 20 more transcripts); c.2638G>A, p.Ala880Thr (NM_001407850.1, NM_001407852.1, NM_001407851.1 and 29 more transcripts); c.785-1720G>A (NM_001407984.1, NM_001408398.1, NM_001407992.1 and 13 more transcripts); c.788-1720G>A (NM_001407971.1, NM_001408403.1, NM_001407983.1 and 17 more transcripts); c.665-1720G>A (NM_001408443.1, NM_001408439.1, NM_001408425.1 and 12 more transcripts); c.671-1720G>A (NM_001408419.1, NM_001408422.1, NM_001408418.1 and 2 more transcripts); c.791-1729G>A (NM_001408406.1); c.647-1720G>A (NM_001408456.1, NM_001408410.1, NM_001408458.1 and 11 more transcripts); and 41 more; short protein forms A799T, A800T, A815T, A816T, A886T, A631T, A838T, A839T.
Identifiers: ClinVar variation 2823682 (VCV002823682.3), dbSNP rs2154359849, ClinGen allele CA10596436.

ClinVar aggregate classification (germline): Uncertain significance (1 of 4 stars; one submission).

Conditions:
Hereditary breast ovarian cancer syndrome. Also called: Hereditary breast and/or ovarian cancer syndrome; Hereditary breast and ovarian cancer; Hereditary breast and ovarian cancer syndrome; Breast and ovarian cancer; Hereditary breast and ovarian cancer syndrome (HBOC); BRCA1- and BRCA2-Associated Hereditary Breast and Ovarian Cancer. Identifiers: Orphanet 145, MedGen C0677776, MeSH D061325, MONDO:0003582. Disease mechanism: loss of function.

Submission:

Labcorp Genetics (formerly Invitae), Labcorp
Classification: Uncertain significance for Hereditary breast ovarian cancer syndrome. Last evaluated: 2022-12-23. Review status: criteria provided, single submitter. Criteria: Invitae Variant Classification Sherloc (09022015). Collection method: clinical testing. Allele origin: germline.
Comment: In summary, the available evidence is currently insufficient to determine the role of this variant in disease. Therefore, it has been classified as a Variant of Uncertain Significance. Advanced modeling of protein sequence and biophysical properties (such as structural, functional, and spatial information, amino acid conservation, physicochemical variation, residue mobility, and thermodynamic stability) performed at Invitae indicates that this missense variant is not expected to disrupt BRCA1 protein function. This variant has not been reported in the literature in individuals affected with BRCA1-related conditions. This variant is not present in population databases (gnomAD no frequency). This sequence change replaces alanine, which is neutral and non-polar, with threonine, which is neutral and polar, at codon 927 of the BRCA1 protein (p.Ala927Thr).